The following is an entry in ClinVar:

ClinVar aggregate classification (germline): Uncertain significance. Review status: criteria provided, multiple submitters, no conflicts (2 of 4 stars). 4 submissions from 4 submitters: Uncertain significance (3). 1 of the submissions does not count toward it. Last evaluated 2025-10-22.

Conditions:
Inborn genetic diseases. Identifiers: MedGen C0950123, MeSH D030342.
MKKS-related disorder. Also called: MKKS-related disorders; MKKS-related condition.
McKusick-Kaufman syndrome (MKKS). Also called: HYDROMETROCOLPOS SYNDROME; HYDROMETROCOLPOS, POSTAXIAL POLYDACTYLY, AND CONGENITAL HEART MALFORMATION. Identifiers: Orphanet 2473, MedGen C0948368, MONDO:0009367, OMIM 236700.
Bardet-Biedl syndrome 6 (BBS6). Identifiers: Orphanet 110, MedGen C1858054, MONDO:0011523, OMIM 605231.
Bardet-Biedl syndrome (BBS). Identifiers: Orphanet 110, MedGen C0752166, MONDO:0015229.

Allele frequency attached by ClinVar (database versions not stated): gnomAD exomes below 0.00001.

Submissions (4):

Labcorp Genetics (formerly Invitae), Labcorp
Classification: Uncertain significance for McKusick-Kaufman syndrome; Bardet-Biedl syndrome. Last evaluated: 2025-10-22. Review status: criteria provided, single submitter. Criteria: Invitae Variant Classification Sherloc (09022015). Collection method: clinical testing. Allele origin: germline.
Comment: This sequence change replaces glycine, which is neutral and non-polar, with serine, which is neutral and polar, at codon 137 of the MKKS protein (p.Gly137Ser). This variant is present in population databases (no rsID available, gnomAD 0.0009%). This variant has not been reported in the literature in individuals affected with MKKS-related conditions. ClinVar contains an entry for this variant (Variation ID: 850214). An algorithm developed to predict the effect of missense changes on protein structure and function outputs the following: PolyPhen-2: "Benign". The serine amino acid residue is found in multiple mammalian species, which suggests that this missense change does not adversely affect protein function. In summary, the available evidence is currently insufficient to determine the role of this variant in disease. Therefore, it has been classified as a Variant of Uncertain Significance.

Ambry Genetics
Classification: Uncertain significance for Inborn genetic diseases. Last evaluated: 2024-06-18. Review status: criteria provided, single submitter. Criteria: Ambry Variant Classification Scheme 2023. Collection method: clinical testing. Allele origin: germline.

Department of Pathology and Laboratory Medicine, Sinai Health System
Classification: Uncertain significance for McKusick-Kaufman syndrome; Bardet-Biedl syndrome 6. Last evaluated: 2021-08-12. Review status: criteria provided, single submitter. Criteria: ACMG Guidelines, 2015. Collection method: research. Allele origin: germline.

PreventionGenetics, part of Exact Sciences
Classification: Uncertain significance for MKKS-related condition. Last evaluated: 2024-08-22. Review status: no assertion criteria provided. Collection method: clinical testing. Allele origin: germline. Not counted in ClinVar's aggregate classification.
Comment: The MKKS c.409G>A variant is predicted to result in the amino acid substitution p.Gly137Ser. To our knowledge, this variant has not been reported in the literature. This variant is reported in 0.00088% of alleles in individuals of European (Non-Finnish) descent in gnomAD. At this time, the clinical significance of this variant is uncertain due to the absence of conclusive functional and genetic evidence.

NM_170784.3(MKKS):c.409G>A (p.Gly137Ser)

Gene: MKKS (MKKS centrosomal shuttling protein; minus strand). Cytogenetic location: 20p12.2.
Variant type: single nucleotide variant.
Coding change: c.409G>A on transcript NM_170784.3 (MANE Select); coding-DNA position 409, G replaced by A.
Protein change: p.Gly137Ser; replaces glycine 137 with serine.
Molecular consequence: missense variant.
Genome position (GRCh38, 1-based): chr20:10,413,106, C>T on the plus strand (G>A on the coding strand, the complement: MKKS is on the minus strand). VCF-style: chr20-10413106-C-T. GRCh37 (hg19) VCF-style: chr20-10393754-C-T.
Other names: c.409G>A, p.Gly137Ser (NM_018848.3); c.409G>A (NM_018848.2); short protein forms G137S.
Identifiers: ClinVar variation 850214 (VCV000850214.10), dbSNP rs1222401134, ClinGen allele CA408233163.
Genomic context (GRCh38, chr20:10,413,106, plus strand): 5'-TACTACGCACCAAACAAAGGAGGATCTGAGTACTACTAAAGTCCACTGGGATTCGACAAC[C>T]ACAGGTCTCAGACTTGAGATAACTGATGCAAAGACTCAAAAGATGTTTATTTAATCTAAT-3'
Protein context (NP_740754.1, residues 127-147): CISYLKSETC[Gly137Ser]CRIPVDFSST